The following is an entry in ClinVar:

NM_000330.4(RS1):c.637del (p.Arg213fs)

Genes: CDKL5 (cyclin dependent kinase like 5; plus strand), RS1 (retinoschisin 1; minus strand). Cytogenetic location: Xp22.13.
Variant type: Deletion.
Coding change: c.637del on transcript NM_000330.4 (MANE Select); coding-DNA position 637, one base deleted (C; older notation c.637delC).
Protein change: p.Arg213fs; shifts the reading frame from arginine 213.
Molecular consequence: frameshift variant. On other transcripts: intron variant (2).
Genome position (GRCh38, 1-based): chrX:18,642,042, G deleted on the plus strand (C on the coding strand, the reverse complement: RS1 is on the minus strand); the first of 2 consecutive G bases (chrX:18,642,042-18,642,043); deleting either gives the same sequence. VCF-style (leftmost placement, unchanged base first): chrX-18642041-CG-C. GRCh37 (hg19) VCF-style: chrX-18660161-CG-C.
Other names: c.2714-3964del (NM_003159.3, NM_001037343.2); short protein forms R213fs.
Identifiers: ClinVar variation 1381863 (VCV001381863.10), dbSNP rs2147188897, ClinGen allele CA2573158468.

ClinVar aggregate classification (germline): Pathogenic. Review status: criteria provided, single submitter (1 of 4 stars). 2 submissions from 2 submitters: Pathogenic (1). 1 of the submissions does not count toward it. Last evaluated 2021-01-14.

Conditions:
Retinal dystrophy. Also called: Inherited retinal dystrophy. Identifiers: Orphanet 71862, MedGen C0854723, MeSH D058499, MONDO:0019118, HP:0000556.

Submissions (2):

Labcorp Genetics (formerly Invitae), Labcorp
Classification: Pathogenic. Last evaluated: 2021-01-14. Review status: criteria provided, single submitter. Criteria: Invitae Variant Classification Sherloc (09022015). Collection method: clinical testing. Allele origin: germline.
Comment: This sequence change results in a frameshift in the RS1 gene (p.Arg213Glyfs*24). While this is not anticipated to result in nonsense mediated decay, it is expected to disrupt the last 12 amino acid(s) of the RS1 protein and extend the protein by 11 additional amino acid residues. This variant is not present in population databases (ExAC no frequency). This variant has not been reported in the literature in individuals with RS1-related conditions. This variant disrupts the C-terminus of the RS1 protein. Other variant(s) that disrupt this region (p.Met214Trpfs*23) have been determined to be pathogenic (PMID: 10415464). This suggests that variants that disrupt this region of the protein are likely to be causative of disease. For these reasons, this variant has been classified as Pathogenic.

Institute of Human Genetics, Univ. Regensburg, Univ. Regensburg
Classification: Pathogenic for Retinal dystrophy. Last evaluated: 2018-01-01. Review status: no assertion criteria provided. Criteria: ACMG Guidelines, 2015. Collection method: clinical testing. Allele origin: germline. Affected: yes. Not counted in ClinVar's aggregate classification.

Literature cited by the submitters: PubMed 10415464 (cited by Labcorp Genetics (formerly Invitae), Labcorp).